The following is an entry in ClinVar:

NC_000021.8:g.(?_47543718)_(47545225_?)del

Gene: COL6A2 (collagen type VI alpha 2 chain; plus strand). Cytogenetic location: 21q22.3.
Variant type: Deletion.
Identifiers: ClinVar variation 3248168 (VCV003248168.1).

ClinVar aggregate classification (germline): Pathogenic (1 of 4 stars; one submission).

Conditions:
Bethlem myopathy 1A. Also called: MYOPATHY, BENIGN CONGENITAL, WITH CONTRACTURES; Bethlem myopathy 1; Bethlem Muscular Dystrophy. Identifiers: Orphanet 610, MedGen CN029274, MONDO:0024530, OMIM 158810.

Submission:

Labcorp Genetics (formerly Invitae), Labcorp
Classification: Pathogenic for Bethlem myopathy 1A. Last evaluated: 2021-10-25. Review status: criteria provided, single submitter. Criteria: Invitae Variant Classification Sherloc (09022015). Collection method: clinical testing. Allele origin: unknown.
Comment: This variant has not been reported in the literature in individuals affected with COL6A2-related conditions. For these reasons, this variant has been classified as Pathogenic. This variant is a gross deletion of the genomic region encompassing exon(s) 22-24 of the COL6A2 gene. This deletion is out-of-frame, and is expected to create a premature termination codon and result in an absent or disrupted protein product. Loss-of-function variants in COL6A2 are known to be pathogenic (PMID: 19884007, 20976770).

Literature cited by the submitters: PubMed 19884007; PubMed 20976770.